The following is an entry in ClinVar:

NM_001277115.2(DNAH11):c.10805_10806del (p.Leu3602fs)

Gene: DNAH11 (dynein axonemal heavy chain 11; plus strand). Cytogenetic location: 7p15.3.
Variant type: Microsatellite.
Coding change: c.10805_10806del on transcript NM_001277115.2 (MANE Select); coding-DNA positions 10805 to 10806, 2 bases deleted (TC; older notation c.10805_10806delTC).
Protein change: p.Leu3602fs; shifts the reading frame from leucine 3602.
Molecular consequence: frameshift variant.
Genome position (GRCh38, 1-based): chr7:21,842,657-21,842,658, TC deleted; deleting any 2 consecutive bases within chr7:21,842,654-21,842,658 gives the same sequence; the c. name uses the placement nearest the transcript's 3' end. VCF-style (leftmost placement, unchanged base first): chr7-21842653-ACT-A. GRCh37 (hg19) VCF-style: chr7-21882271-ACT-A.
Other names: c.10824_10825TC[1], p.Leu3609Profs (NM_003777.3); short protein forms L3602fs.
Identifiers: ClinVar variation 2763803 (VCV002763803.3), dbSNP rs2535434029, ClinGen allele CA2697557189.

ClinVar aggregate classification (germline): Pathogenic (1 of 4 stars; one submission).

Conditions:
Primary ciliary dyskinesia. Also called: Ciliary dyskinesia. Identifiers: Orphanet 244, MedGen C0008780, MONDO:0016575, HP:0012265.

Submission:

Labcorp Genetics (formerly Invitae), Labcorp
Classification: Pathogenic for Primary ciliary dyskinesia. Last evaluated: 2023-09-27. Review status: criteria provided, single submitter. Criteria: Invitae Variant Classification Sherloc (09022015). Collection method: clinical testing. Allele origin: germline.
Comment: For these reasons, this variant has been classified as Pathogenic. This variant has not been reported in the literature in individuals affected with DNAH11-related conditions. This variant is not present in population databases (gnomAD no frequency). This sequence change creates a premature translational stop signal (p.Leu3602Profs*22) in the DNAH11 gene. It is expected to result in an absent or disrupted protein product. Loss-of-function variants in DNAH11 are known to be pathogenic (PMID: 18022865, 20513915, 22184204).

Literature cited by the submitters: PubMed 18022865; PubMed 20513915; PubMed 22184204.